The following is an entry in ClinVar:

NM_001429.4(EP300):c.3826_3827dup (p.Leu1276fs)

Gene: EP300 (EP300 lysine acetyltransferase; plus strand). Cytogenetic location: 22q13.2.
Variant type: Duplication.
Coding change: c.3826_3827dup on transcript NM_001429.4 (MANE Select); coding-DNA positions 3826 to 3827, 2 bases duplicated (TT; older notation c.3826_3827dupTT).
Protein change: p.Leu1276fs; shifts the reading frame from leucine 1276.
Molecular consequence: frameshift variant.
Genome position (GRCh38, 1-based): chr22:41,166,618-41,166,619, TT duplicated; duplicating any 2 consecutive bases within chr22:41,166,617-41,166,619 gives the same sequence; the c. name uses the placement nearest the transcript's 3' end. VCF-style (leftmost placement, unchanged base first): chr22-41166616-G-GTT. GRCh37 (hg19) VCF-style: chr22-41562620-G-GTT.
Other names: c.3748_3749dup, p.Leu1250fs (NM_001362843.2); short protein forms L1250fs, L1276fs.
Identifiers: ClinVar variation 1320123 (VCV001320123.1), dbSNP rs2145759333, ClinGen allele CA2573055019.

ClinVar aggregate classification (germline): Pathogenic (1 of 4 stars; one submission).

Conditions:
Rubinstein-Taybi syndrome due to EP300 haploinsufficiency. Also called: RUBINSTEIN-TAYBI SYNDROME 2; EP300-Related Rubinstein-Taybi Syndrome. Identifiers: Orphanet 353284, Orphanet 783, MedGen C3150941, MONDO:0013364, OMIM 613684.

Submission:

3billion
Classification: Pathogenic for Rubinstein-Taybi syndrome due to EP300 haploinsufficiency. Last evaluated: 2021-10-02. Review status: criteria provided, single submitter. Criteria: ACMG Guidelines, 2015. Collection method: clinical testing. Allele origin: germline. Affected: yes. Observed: 1 heterozygote.
Comment: Frameshift: predicted to result in a loss or disruption of normal protein function through nonsense-mediated decay (NMD) or protein truncation. Multiple pathogenic variants are reported downstream of the variant (PVS1_VS). The variant was observed as assumed (i.e. paternity and maternity not confirmed) de novoo (3billion dataset, PM6). It is not observed in the gnomAD v2.1.1 dataset (PM2). Therefore, this variant is classified as pathogenic according to the recommendation of ACMG/AMP guideline.